The following is an entry in ClinVar:

NM_000784.4(CYP27A1):c.384C>T (p.Asn128=)

Gene: CYP27A1 (cytochrome P450 family 27 subfamily A member 1; plus strand). Cytogenetic location: 2q35.
Variant type: single nucleotide variant.
Coding change: c.384C>T on transcript NM_000784.4 (MANE Select); coding-DNA position 384, C replaced by T.
Protein change: p.Asn128=; no amino-acid change (asparagine 128 retained).
Molecular consequence: synonymous variant.
Genome position (GRCh38, 1-based): chr2:218,809,705, C>T. VCF-style: chr2-218809705-C-T. GRCh37 (hg19) VCF-style: chr2-219674428-C-T.
Identifiers: ClinVar variation 748797 (VCV000748797.33), dbSNP rs765555645, ClinGen allele CA2112581.

ClinVar aggregate classification (germline): Likely benign. Review status: criteria provided, multiple submitters, no conflicts (2 of 4 stars). 6 submissions from 6 submitters: Likely benign (4). 2 of the submissions do not count toward it. Last evaluated 2025-12-21.

Conditions:
CYP27A1-related disorder. Also called: CYP27A1-related condition.
Cholestanol storage disease (CTX). Also called: CEREBRAL CHOLESTERINOSIS; Cerebrotendinous Xanthomatosis; CTX: Cerebrotendinous xanthomatosis. Identifiers: Orphanet 909, MedGen C0238052, MONDO:0008948, OMIM 213700.
Cardiovascular phenotype. Identifiers: MedGen CN230736.

Allele frequency attached by ClinVar (database versions not stated): gnomAD 0.00002 and 0.00003; gnomAD exomes 0.00004 and 0.00008; TOPMed 0.00004; ExAC 0.00007.
gnomAD v4.1: 67 of 1,614,126 alleles (0.0042%); highest among the groups gnomAD compares: East Asian, 0.025%; no homozygotes.

Submissions (6):

Labcorp Genetics (formerly Invitae), Labcorp
Classification: Likely benign for Cholestanol storage disease. Last evaluated: 2025-12-21. Review status: criteria provided, single submitter. Criteria: Invitae Variant Classification Sherloc (09022015). Collection method: clinical testing. Allele origin: germline.

CeGaT Center for Human Genetics Tuebingen
Classification: Likely benign. Last evaluated: 2024-08-01. Review status: criteria provided, single submitter. Criteria: CeGaT Center For Human Genetics Tuebingen Variant Classification Criteria Version 2. Collection method: clinical testing. Allele origin: germline. Affected: yes. Observed: 1 variant allele.
Comment: CYP27A1: BP4, BP7

Blueprint Genetics
Classification: Likely benign. Last evaluated: 2023-12-28. Review status: criteria provided, single submitter. Criteria: ACMG Guidelines, 2015. Collection method: clinical testing. Allele origin: germline.

Ambry Genetics
Classification: Likely benign for Cardiovascular phenotype. Last evaluated: 2020-08-07. Review status: criteria provided, single submitter. Criteria: Ambry Variant Classification Scheme 2023. Collection method: clinical testing. Allele origin: germline.

PreventionGenetics, part of Exact Sciences
Classification: Likely benign for CYP27A1-related condition. Last evaluated: 2024-07-09. Review status: no assertion criteria provided. Collection method: clinical testing. Allele origin: germline. Not counted in ClinVar's aggregate classification.
Comment: This variant is classified as likely benign based on ACMG/AMP sequence variant interpretation guidelines (Richards et al. 2015 PMID: 25741868, with internal and published modifications).

Natera, Inc.
Classification: Likely benign for Cerebrotendinous xanthomatosis. Last evaluated: 2021-04-21. Review status: no assertion criteria provided. Collection method: clinical testing. Allele origin: germline. Not counted in ClinVar's aggregate classification.